The following is an entry in ClinVar:

ClinVar aggregate classification (germline): Uncertain significance (1 of 4 stars; one submission).

gnomAD v4.1: 6 of 1,607,162 alleles (0.00037%); highest among the groups gnomAD compares: Non-Finnish European, 0.00051%; no homozygotes.

Submission:

GeneDx
Classification: Uncertain significance. Last evaluated: 2024-11-19. Review status: criteria provided, single submitter. Criteria: GeneDx Variant Classification Process June 2021. Collection method: clinical testing. Allele origin: germline. Affected: yes.
Comment: Not observed at significant frequency in large population cohorts (gnomAD); In silico analysis supports that this missense variant has a deleterious effect on protein structure/function; Has not been previously published as pathogenic or benign to our knowledge

NM_002972.4(SBF1):c.1462A>G (p.Lys488Glu)

Gene: SBF1 (SET binding factor 1; minus strand). Cytogenetic location: 22q13.33.
Variant type: single nucleotide variant.
Coding change: c.1462A>G on transcript NM_002972.4 (MANE Select); coding-DNA position 1462, A replaced by G.
Protein change: p.Lys488Glu; replaces lysine 488 with glutamic acid.
Molecular consequence: missense variant.
Genome position (GRCh38, 1-based): chr22:50,464,708, T>C on the plus strand (A>G on the coding strand, the complement: SBF1 is on the minus strand). VCF-style: chr22-50464708-T-C. GRCh37 (hg19) VCF-style: chr22-50903137-T-C.
Other names: c.1465A>G, p.Lys489Glu (NM_001365819.1, NM_001410794.1); c.1462A>G, p.Lys488Glu (NM_001410795.1); short protein forms K488E, K489E.
Identifiers: ClinVar variation 3899413 (VCV003899413.1).